The following is an entry in ClinVar:

ClinVar aggregate classification (germline): Uncertain significance (1 of 4 stars; one submission).

Conditions:
Hereditary cancer-predisposing syndrome. Also called: Hereditary Cancer Syndrome; Neoplastic Syndromes, Hereditary; Hereditary neoplastic syndrome; Tumor predisposition. Identifiers: Orphanet 140162, MedGen C0027672, MeSH D009386, MONDO:0015356.

Submission:

Ambry Genetics
Classification: Uncertain significance for Hereditary cancer-predisposing syndrome. Last evaluated: 2015-12-23. Review status: criteria provided, single submitter. Criteria: Ambry Variant Classification Scheme 2023. Collection method: clinical testing. Allele origin: germline.
Comment: The p.E1260* variant (also known as c.3778G>T), located in coding exon 22 of the PTCH1 gene, results from a G to T substitution at nucleotide position 3778. This changes the amino acid from a glutamic acid to a stop codon within coding exon 22. This alteration occurs in the next-to-last exon of the gene, so while it is truncating, the mRNA may escape nonsense mediated decay (NMD). Premature termination codons located either in the last exon or within 50-55 nucleotides upstream of the 3'-most exon-exon junction usually fails to elicit NMD (Maquat, 2004). This variant was not reported in population based cohorts in the following databases: Database of Single Nucleotide Polymorphisms (dbSNP), NHLBI Exome Sequencing Project (ESP), and 1000 Genomes Project. In the ESP, this variant was not observed in 6503 samples (13006 alleles) with coverage at this position. To date, this alteration has been detected with an allele frequency of approximately 0.4% (greater than 300 alleles tested) in our clinical cohort. Since supporting evidence is limited at this time, the clinical significance of p.E1260* remains unclear.

NM_000264.5(PTCH1):c.3778G>T (p.Glu1260Ter)

Gene: PTCH1 (patched 1; minus strand). Cytogenetic location: 9q22.32.
Variant type: single nucleotide variant.
Coding change: c.3778G>T on transcript NM_000264.5 (MANE Select); coding-DNA position 3778, G replaced by T.
Protein change: p.Glu1260Ter; replaces glutamic acid 1260 with a stop codon.
Molecular consequence: nonsense. On other transcripts: non-coding transcript variant (1).
Genome position (GRCh38, 1-based): chr9:95,449,095, C>A on the plus strand (G>T on the coding strand, the complement: PTCH1 is on the minus strand). VCF-style: chr9-95449095-C-A. GRCh37 (hg19) VCF-style: chr9-98211377-C-A.
Other names: c.3580G>T, p.Glu1194Ter (NM_001083602.3); c.3775G>T, p.Glu1259Ter (NM_001083603.3); c.3325G>T, p.Glu1109Ter (NM_001083604.3, NM_001083605.3, NM_001083606.3 and 1 more transcripts); c.3622G>T, p.Glu1208Ter (NM_001354918.2); short protein forms E1194*, E1260*, E1259*, E1109*, E1208*.
Identifiers: ClinVar variation 428841 (VCV000428841.5), dbSNP rs1131690988, ClinGen allele CA374110956.